The following is an entry in ClinVar:

ClinVar aggregate classification (germline): Uncertain significance. Review status: criteria provided, multiple submitters, no conflicts (2 of 4 stars). 2 submissions from 2 submitters: Uncertain significance (2). Last evaluated 2024-03-28.

Conditions:
Hereditary cancer-predisposing syndrome. Also called: Neoplastic Syndromes, Hereditary; Tumor predisposition; Hereditary Cancer Syndrome; Hereditary neoplastic syndrome. Identifiers: Orphanet 140162, MedGen C0027672, MeSH D009386, MONDO:0015356.
Oligodontia-cancer predisposition syndrome. Also called: TOOTH AGENESIS-COLORECTAL CANCER SYNDROME. Identifiers: Orphanet 300576, MedGen C1837750, MONDO:0012075, OMIM 608615. Disease mechanism: loss of function.

Submissions (2):

Ambry Genetics
Classification: Uncertain significance for Hereditary cancer-predisposing syndrome. Last evaluated: 2024-03-28. Review status: criteria provided, single submitter. Criteria: Ambry Variant Classification Scheme 2023. Collection method: clinical testing. Allele origin: germline.
Comment: The p.E627K variant (also known as c.1879G>A), located in coding exon 6 of the AXIN2 gene, results from a G to A substitution at nucleotide position 1879. The glutamic acid at codon 627 is replaced by lysine, an amino acid with similar properties. This amino acid position is well conserved in available vertebrate species. In addition, this alteration is predicted to be tolerated by in silico analysis. Since supporting evidence is limited at this time, the clinical significance of this alteration remains unclear.

Labcorp Genetics (formerly Invitae), Labcorp
Classification: Uncertain significance for Oligodontia-cancer predisposition syndrome. Last evaluated: 2022-06-01. Review status: criteria provided, single submitter. Criteria: Invitae Variant Classification Sherloc (09022015). Collection method: clinical testing. Allele origin: germline.
Comment: This sequence change replaces glutamic acid, which is acidic and polar, with lysine, which is basic and polar, at codon 627 of the AXIN2 protein (p.Glu627Lys). This variant is not present in population databases (gnomAD no frequency). This variant has not been reported in the literature in individuals affected with AXIN2-related conditions. ClinVar contains an entry for this variant (Variation ID: 820230). Algorithms developed to predict the effect of missense changes on protein structure and function (SIFT, PolyPhen-2, Align-GVGD) all suggest that this variant is likely to be tolerated. In summary, the available evidence is currently insufficient to determine the role of this variant in disease. Therefore, it has been classified as a Variant of Uncertain Significance.

NM_004655.4(AXIN2):c.1879G>A (p.Glu627Lys)

Gene: AXIN2 (axin 2; minus strand). Cytogenetic location: 17q24.1.
Variant type: single nucleotide variant.
Coding change: c.1879G>A on transcript NM_004655.4 (MANE Select); coding-DNA position 1879, G replaced by A.
Protein change: p.Glu627Lys; replaces glutamic acid 627 with lysine.
Molecular consequence: missense variant. On other transcripts: intron variant (1).
Genome position (GRCh38, 1-based): chr17:65,536,897, C>T on the plus strand (G>A on the coding strand, the complement: AXIN2 is on the minus strand). VCF-style: chr17-65536897-C-T. GRCh37 (hg19) VCF-style: chr17-63533015-C-T.
Other names: c.1713-344G>A (NM_001363813.1); short protein forms E627K.
Identifiers: ClinVar variation 820230 (VCV000820230.11), dbSNP rs1598097733, ClinGen allele CA400676427.